The following is an entry in ClinVar:

ClinVar aggregate classification (germline): Uncertain significance. Review status: criteria provided, multiple submitters, no conflicts (2 of 4 stars). 2 submissions from 2 submitters: Uncertain significance (2). Last evaluated 2025-06-30.

Conditions:
Inborn genetic diseases. Identifiers: MedGen C0950123, MeSH D030342.

Allele frequency attached by ClinVar (database versions not stated): ExAC 0.00002; gnomAD exomes 0.00002.
gnomAD v4.1: 30 of 1,614,156 alleles (0.0019%); highest among the groups gnomAD compares: South Asian, 0.0022%; no homozygotes.

Submissions (2):

Ambry Genetics
Classification: Uncertain significance for Inborn genetic diseases. Last evaluated: 2025-06-30. Review status: criteria provided, single submitter. Criteria: Ambry Variant Classification Scheme 2023. Collection method: clinical testing. Allele origin: germline.

Labcorp Genetics (formerly Invitae), Labcorp
Classification: Uncertain significance. Last evaluated: 2025-03-17. Review status: criteria provided, single submitter. Criteria: Invitae Variant Classification Sherloc (09022015). Collection method: clinical testing. Allele origin: germline.
Comment: This sequence change replaces arginine, which is basic and polar, with cysteine, which is neutral and slightly polar, at codon 916 of the CNGB1 protein (p.Arg916Cys). This variant is present in population databases (rs764194863, gnomAD 0.004%). This variant has not been reported in the literature in individuals affected with CNGB1-related conditions. ClinVar contains an entry for this variant (Variation ID: 1475247). Invitae Evidence Modeling of protein sequence and biophysical properties (such as structural, functional, and spatial information, amino acid conservation, physicochemical variation, residue mobility, and thermodynamic stability) indicates that this missense variant is expected to disrupt CNGB1 protein function with a positive predictive value of 80%. In summary, the available evidence is currently insufficient to determine the role of this variant in disease. Therefore, it has been classified as a Variant of Uncertain Significance.

NM_001297.5(CNGB1):c.2746C>T (p.Arg916Cys)

Gene: CNGB1 (cyclic nucleotide gated channel subunit beta 1; minus strand). Cytogenetic location: 16q21.
Variant type: single nucleotide variant.
Coding change: c.2746C>T on transcript NM_001297.5 (MANE Select); coding-DNA position 2746, C replaced by T.
Protein change: p.Arg916Cys; replaces arginine 916 with cysteine.
Molecular consequence: missense variant.
Genome position (GRCh38, 1-based): chr16:57,903,870, G>A on the plus strand (C>T on the coding strand, the complement: CNGB1 is on the minus strand). VCF-style: chr16-57903870-G-A. GRCh37 (hg19) VCF-style: chr16-57937774-G-A.
Other names: c.2728C>T, p.Arg910Cys (NM_001286130.2); c.2746C>T (NM_001297.4); short protein forms R916C, R910C.
Identifiers: ClinVar variation 1475247 (VCV001475247.8), dbSNP rs764194863, ClinGen allele CA8082842.